The following is an entry in ClinVar:

ClinVar aggregate classification (germline): Likely benign. Review status: criteria provided, single submitter (1 of 4 stars). 2 submissions from 2 submitters: Likely benign (1). 1 of the submissions does not count toward it. Last evaluated 2024-06-28.

Conditions:
SON-related disorder. Also called: SON-related condition.

Allele frequency attached by ClinVar (database versions not stated): gnomAD 0.00001.
gnomAD v4.1: 5 of 1,613,826 alleles (0.00031%); highest among the groups gnomAD compares: African/African-American, 0.0013%; no homozygotes.

Submissions (2):

Blueprint Genetics
Classification: Likely benign. Last evaluated: 2024-06-28. Review status: criteria provided, single submitter. Criteria: ACMG Guidelines, 2015. Collection method: clinical testing. Allele origin: germline.

PreventionGenetics, part of Exact Sciences
Classification: Likely benign for SON-related condition. Last evaluated: 2019-03-29. Review status: no assertion criteria provided. Collection method: clinical testing. Allele origin: germline. Not counted in ClinVar's aggregate classification.
Comment: This variant is classified as likely benign based on ACMG/AMP sequence variant interpretation guidelines (Richards et al. 2015 PMID: 25741868, with internal and published modifications).

NM_138927.4(SON):c.1101C>A (p.Thr367=)

Gene: SON (SON DNA and RNA binding protein; plus strand). Cytogenetic location: 21q22.11.
Variant type: single nucleotide variant.
Coding change: c.1101C>A on transcript NM_138927.4 (MANE Select); coding-DNA position 1101, C replaced by A.
Protein change: p.Thr367=; no amino-acid change (threonine 367 retained).
Molecular consequence: synonymous variant. On other transcripts: non-coding transcript variant (1), intron variant (1).
Genome position (GRCh38, 1-based): chr21:33,550,332, C>A. VCF-style: chr21-33550332-C-A. GRCh37 (hg19) VCF-style: chr21-34922638-C-A.
Other names: c.1101C>A, p.Thr367= (NM_001291411.2, NM_001412133.1, NM_032195.3 and 2 more transcripts); c.244+3953C>A (NM_001291412.3).
Identifiers: ClinVar variation 3046236 (VCV003046236.3), dbSNP rs1232024945, ClinGen allele CA512335936.